The following is an entry in ClinVar:

NM_001130823.3(DNMT1):c.898A>C (p.Lys300Gln)

Gene: DNMT1 (DNA methyltransferase 1; minus strand). Cytogenetic location: 19p13.2.
Variant type: single nucleotide variant.
Coding change: c.898A>C on transcript NM_001130823.3 (MANE Select); coding-DNA position 898, A replaced by C.
Protein change: p.Lys300Gln; replaces lysine 300 with glutamine.
Molecular consequence: missense variant.
Genome position (GRCh38, 1-based): chr19:10,163,354, T>G on the plus strand (A>C on the coding strand, the complement: DNMT1 is on the minus strand). VCF-style: chr19-10163354-T-G. GRCh37 (hg19) VCF-style: chr19-10274030-T-G.
Other names: c.850A>C, p.Lys284Gln (NM_001318730.2, NM_001379.4); c.535A>C, p.Lys179Gln (NM_001318731.2); c.898A>C (LRG_362t1, NM_001130823.2); short protein forms K284Q, K300Q, K179Q.
Identifiers: ClinVar variation 666124 (VCV000666124.10), dbSNP rs759143980, ClinGen allele CA9188534.

ClinVar aggregate classification (germline): Conflicting classifications of pathogenicity. Review status: criteria provided, conflicting classifications (1 of 4 stars). 5 submissions from 5 submitters: Uncertain significance (4); Likely benign (1). Last evaluated 2025-11-11.

Conditions:
DNMT1-related disorder. Also called: DNMT1-related condition. Identifiers: MedGen CN381527.
Hereditary sensory neuropathy-deafness-dementia syndrome. Also called: Hereditary sensory neuropathy type IE; Hereditary Sensory and Autonomic Neuropathy Type 1E (HSAN1E); HSN IE; NEUROPATHY, HEREDITARY SENSORY, WITH HEARING LOSS AND DEMENTIA. Identifiers: Orphanet 456318, MedGen C3279885, MONDO:0013584, OMIM 614116.
Autosomal dominant cerebellar ataxia, deafness and narcolepsy. Also called: Autosomal Dominant Cerebellar Ataxia, Deafness, and Narcolepsy (ADCA-DN). Identifiers: Orphanet 314404, MedGen C4302668, MONDO:0011397, OMIM 604121.

Allele frequency attached by ClinVar (database versions not stated): gnomAD 0.00001; TOPMed 0.00002; gnomAD exomes 0.00004; ExAC 0.00005.
gnomAD v4.1: 30 of 1,613,836 alleles (0.0019%); highest among the groups gnomAD compares: Middle Eastern, 0.13%; 1 homozygote.

Submissions (5):

PreventionGenetics, part of Exact Sciences
Classification: Uncertain significance for DNMT1-related condition. Last evaluated: 2025-11-11. Review status: criteria provided, single submitter. Criteria: ACMG Guidelines, 2015. Collection method: clinical testing. Allele origin: germline.
Comment: The DNMT1 c.898A>C variant is predicted to result in the amino acid substitution p.Lys300Gln. To our knowledge, this variant has not been reported in the literature. This variant is reported in 0.0087% of alleles in individuals of Latino descent in gnomAD. At this time, the clinical significance of this variant is uncertain due to the absence of conclusive functional and genetic evidence.

Labcorp Genetics (formerly Invitae), Labcorp
Classification: Uncertain significance for Hereditary sensory neuropathy-deafness-dementia syndrome. Last evaluated: 2025-07-13. Review status: criteria provided, single submitter. Criteria: Invitae Variant Classification Sherloc (09022015). Collection method: clinical testing. Allele origin: germline.
Comment: This sequence change replaces lysine, which is basic and polar, with glutamine, which is neutral and polar, at codon 300 of the DNMT1 protein (p.Lys300Gln). This variant is present in population databases (rs759143980, gnomAD 0.009%). This missense change has been observed in individual(s) with distal numbness (internal data). ClinVar contains an entry for this variant (Variation ID: 666124). An algorithm developed to predict the effect of missense changes on protein structure and function outputs the following: PolyPhen-2: "Benign". The glutamine amino acid residue is found in multiple mammalian species, which suggests that this missense change does not adversely affect protein function. In summary, the available evidence is currently insufficient to determine the role of this variant in disease. Therefore, it has been classified as a Variant of Uncertain Significance.

Blueprint Genetics
Classification: Likely benign. Last evaluated: 2023-07-28. Review status: criteria provided, single submitter. Criteria: ACMG Guidelines, 2015. Collection method: clinical testing. Allele origin: germline.

Fulgent Genetics
Classification: Uncertain significance for Autosomal dominant cerebellar ataxia, deafness and narcolepsy; Hereditary sensory neuropathy-deafness-dementia syndrome. Last evaluated: 2021-09-19. Review status: criteria provided, single submitter. Criteria: ACMG Guidelines, 2015. Collection method: clinical testing. Allele origin: unknown.

Breakthrough Genomics
Classification: Uncertain significance. Review status: criteria provided, single submitter. Criteria: ACMG Guidelines, 2015. Collection method: not provided. Allele origin: germline. Inheritance: Autosomal dominant inheritance. Affected: yes.